The following is an entry in ClinVar:

NC_000022.10:g.(?_50518239)_(50518795_?)del

Gene: MLC1 (modulator of VRAC current 1; minus strand). Cytogenetic location: 22q13.33.
Variant type: Deletion.
Identifiers: ClinVar variation 3248125 (VCV003248125.1).

ClinVar aggregate classification (germline): Pathogenic (1 of 4 stars; one submission).

Submission:

Labcorp Genetics (formerly Invitae), Labcorp
Classification: Pathogenic. Last evaluated: 2024-01-15. Review status: criteria provided, single submitter. Criteria: Invitae Variant Classification Sherloc (09022015). Collection method: clinical testing. Allele origin: unknown.
Comment: This variant results in the deletion of exon 5 and part of exon 4 (c.299_423+108del) of the MLC1 gene. It is expected to disrupt RNA splicing. Variants that disrupt the donor or acceptor splice site typically lead to a loss of protein function (PMID: 16199547), and loss-of-function variants in MLC1 are known to be pathogenic (PMID: 11254442, 16470554, 24824219). This variant has been observed in individual(s) with MLC1-related conditions (PMID: 16652334). ClinVar contains an entry for this variant (Variation ID: 660628). This variant disrupts a region of the MLC1 protein in which other variant(s) (p.Thr118Met) have been determined to be pathogenic (PMID: 11935341, 21160490, 25497041, 27322623). This suggests that this is a clinically significant region of the protein, and that variants that disrupt it are likely to be disease-causing. For these reasons, this variant has been classified as Pathogenic.

Literature cited by the submitters: PubMed 16199547; PubMed 11254442; PubMed 16470554; PubMed 24824219; PubMed 16652334; PubMed 11935341; PubMed 21160490; PubMed 25497041; PubMed 27322623.